The following is an entry in ClinVar:

NM_000260.4(MYO7A):c.3226G>A (p.Glu1076Lys)

Gene: MYO7A (myosin VIIA; plus strand). Cytogenetic location: 11q13.5.
Variant type: single nucleotide variant.
Coding change: c.3226G>A on transcript NM_000260.4 (MANE Select); coding-DNA position 3226, G replaced by A.
Protein change: p.Glu1076Lys; replaces glutamic acid 1076 with lysine.
Molecular consequence: missense variant.
Genome position (GRCh38, 1-based): chr11:77,182,541, G>A. VCF-style: chr11-77182541-G-A. GRCh37 (hg19) VCF-style: chr11-76893586-G-A.
Other names: c.3226G>A, p.Glu1076Lys (NM_001127180.2); c.3193G>A, p.Glu1065Lys (NM_001369365.1); short protein forms E1065K, E1076K.
Identifiers: ClinVar variation 1028645 (VCV001028645.1), dbSNP rs1955328510, ClinGen allele CA381944909.
Genomic context (GRCh38, chr11:77,182,541, plus strand): 5'-AAGTACCACACAGCCATGAGTGATGGCAGTGAGAAGATCCCTGTGATGACCAAGATTTAT[G>A]AGACCCTGGGCAAGAAGACGTACAAGAGGGAGCTGCAGGCCCTGCAGGGCGAGGGCGAGG-3'
Protein context (NP_000251.3, residues 1066-1086): EKIPVMTKIY[Glu1076Lys]TLGKKTYKRE

ClinVar aggregate classification (germline): Uncertain significance (1 of 4 stars; one submission).

Conditions:
Autosomal dominant nonsyndromic hearing loss 11. Identifiers: Orphanet 90635, MedGen C1832475, MONDO:0011032, OMIM 601317.

Allele frequency attached by ClinVar (database versions not stated): gnomAD exomes below 0.00001.
gnomAD v4.1: 4 of 1,613,444 alleles (0.00025%); highest among the groups gnomAD compares: Non-Finnish European, 0.00017%; no homozygotes.

Submission:

Baylor Genetics
Classification: Uncertain significance for Autosomal dominant nonsyndromic hearing loss 11. Last evaluated: 2020-06-08. Review status: criteria provided, single submitter. Criteria: ACMG Guidelines, 2015. Collection method: clinical testing. Allele origin: unknown. Affected: yes.
Comment: This variant was determined to be of uncertain significance according to ACMG Guidelines, 2015 [PMID:25741868].